The following is an entry in ClinVar:

ClinVar aggregate classification (germline): Likely pathogenic (1 of 4 stars; one submission).

Conditions:
Cardiovascular phenotype. Identifiers: MedGen CN230736.

Submission:

Ambry Genetics
Classification: Likely pathogenic for Cardiovascular phenotype. Last evaluated: 2023-04-14. Review status: criteria provided, single submitter. Criteria: Ambry Variant Classification Scheme 2023. Collection method: clinical testing. Allele origin: germline.
Comment: The c.68257_68258delGGinsATATGCCAT variant, located in coding exon 171 of the TTN gene, results from the deletion of two nucleotides and insertion of 9 nucleotides causing a translational frameshift with a predicted alternate stop codon (p.G22753Ifs*17). This exon is located in the A-band region of the N2-B isoform of the titin protein and is constitutively expressed in TTN transcripts (percent spliced in or PSI 100%). This variant is considered to be rare based on population cohorts in the Genome Aggregation Database (gnomAD). This alteration is expected to result in loss of function by premature protein truncation or nonsense-mediated mRNA decay. While truncating variants in TTN are present in 1-3% of the general population, truncating variants in the A-band are the most common cause of dilated cardiomyopathy (DCM) (Herman DS et al. N. Engl. J. Med., 2012 Feb;366:619-28; Roberts AM et al. Sci Transl Med, 2015 Jan;7:270ra6). TTN truncating variants encoded in constitutive exons (PSI >90%) have been found to be significantly associated with DCM regardless of their position in titin (Schafer S et al. Nat. Genet., 2017 01;49:46-53). Based on the majority of available evidence to date, this variant is likely to be pathogenic.

NM_001267550.2(TTN):c.95452_95453delinsATATGCCAT (p.Gly31818fs)

Genes: TTN (titin; minus strand), TTN-AS1 (TTN antisense RNA 1; plus strand). Cytogenetic location: 2q31.2.
Variant type: Indel.
Coding change: c.95452_95453delinsATATGCCAT on transcript NM_001267550.2 (MANE Select); coding-DNA positions 95452 to 95453, GG replaced by ATATGCCAT.
Protein change: p.Gly31818fs; shifts the reading frame from glycine 31818.
Molecular consequence: frameshift variant.
Genome position (GRCh38, 1-based): chr2:178,545,657-178,545,658, CC replaced by ATGGCATAT on the plus strand (GG replaced by ATATGCCAT on the coding strand, the reverse complement: TTN is on the minus strand). VCF-style: chr2-178545657-CC-ATGGCATAT. GRCh37 (hg19) VCF-style: chr2-179410384-CC-ATGGCATAT.
Other names: c.90529_90530delinsATATGCCAT, p.Gly30177fs (NM_001256850.1); c.68257_68258delinsATATGCCAT, p.Gly22753fs (NM_003319.4); c.87748_87749delinsATATGCCAT, p.Gly29250fs (NM_133378.4); c.68632_68633delinsATATGCCAT, p.Gly22878fs (NM_133432.3); c.68833_68834delinsATATGCCAT, p.Gly22945fs (NM_133437.4); c.68257_68258delGGinsATATGCCAT (NM_003319.4); short protein forms G30177fs, G22945fs, G29250fs, G22878fs, G22753fs, G31818fs.
Identifiers: ClinVar variation 2566374 (VCV002566374.2), dbSNP rs2469015635, ClinGen allele CA2580614440.